The following is an entry in ClinVar:

NM_001378477.3(NYX):c.828G>A (p.Glu276=)

Gene: NYX (nyctalopin; plus strand). Cytogenetic location: Xp11.4.
Variant type: single nucleotide variant.
Coding change: c.828G>A on transcript NM_001378477.3 (MANE Select); coding-DNA position 828, G replaced by A.
Protein change: p.Glu276=; no amino-acid change (glutamic acid 276 retained).
Molecular consequence: synonymous variant.
Genome position (GRCh38, 1-based): chrX:41,474,296, G>A. VCF-style: chrX-41474296-G-A. GRCh37 (hg19) VCF-style: chrX-41333549-G-A.
Other names: c.828G>A, p.Glu276= (NM_022567.3).
Identifiers: ClinVar variation 368268 (VCV000368268.17), dbSNP rs3810733, ClinGen allele CA10389867.

ClinVar aggregate classification (germline): Benign/Likely benign. Review status: criteria provided, multiple submitters, no conflicts (2 of 4 stars). 4 submissions from 4 submitters: Benign (1); Likely benign (3). Last evaluated 2026-01-22.

Conditions:
Congenital stationary night blindness 1A (CSNB1A). Also called: NYX-Related X-Linked Congenital Stationary Night Blindness; CSNB, COMPLETE, X-LINKED; HEMERALOPIA-MYOPIA; Night blindness, congenital stationary (complete), 1A, X-linked; MYOPIA-NIGHT BLINDNESS; NIGHT BLINDNESS, CONGENITAL STATIONARY, WITH MYOPIA. Identifiers: Orphanet 215, MedGen C3495587, MONDO:0010690, OMIM 310500.

Allele frequency attached by ClinVar (database versions not stated): ESP Exome Variant Server 0.00332; gnomAD 0.00379 and 0.00404; TOPMed 0.00396; gnomAD exomes 0.00623; 1000 Genomes Project 30x 0.00895; 1000 Genomes Project 0.00901.
gnomAD v4.1: 7,133 of 1,207,016 alleles (0.59%); highest among the groups gnomAD compares: East Asian, 5.3%; 47 homozygotes.

Submissions (4):

Labcorp Genetics (formerly Invitae), Labcorp
Classification: Benign. Last evaluated: 2026-01-22. Review status: criteria provided, single submitter. Criteria: Invitae Variant Classification Sherloc (09022015). Collection method: clinical testing. Allele origin: germline.

Blueprint Genetics
Classification: Likely benign. Last evaluated: 2024-11-23. Review status: criteria provided, single submitter. Criteria: ACMG Guidelines, 2015. Collection method: clinical testing. Allele origin: germline.

Illumina Laboratory Services, Illumina
Classification: Likely benign for Congenital stationary night blindness 1A. Last evaluated: 2017-04-27. Review status: criteria provided, single submitter. Criteria: ICSL Variant Classification Criteria 13 December 2019. Collection method: clinical testing. Allele origin: germline.
Comment: This variant was observed as part of a predisposition screen in an ostensibly healthy population. A literature search was performed for the gene, cDNA change, and amino acid change (where applicable). No publications were found based on this search. Allele frequency data from public databases allowed determination this variant is unlikely to cause disease. Therefore, this variant is classified as likely benign.

Breakthrough Genomics
Classification: Likely benign. Review status: criteria provided, single submitter. Criteria: ACMG Guidelines, 2015. Collection method: not provided. Allele origin: germline. Inheritance: X-linked inheritance. Affected: yes.